The following is an entry in ClinVar:

ClinVar aggregate classification (germline): Uncertain significance (1 of 4 stars; one submission).

Conditions:
Candidiasis, familial, 9 (CANDF9). Identifiers: Orphanet 1334, MedGen C4225324, MONDO:0014642, OMIM 616445.

Submission:

Labcorp Genetics (formerly Invitae), Labcorp
Classification: Uncertain significance for Candidiasis, familial, 9. Last evaluated: 2025-08-15. Review status: criteria provided, single submitter. Criteria: Invitae Variant Classification Sherloc (09022015). Collection method: clinical testing. Allele origin: germline.
Comment: This sequence change falls in intron 17 of the IL17RC gene. It does not directly change the encoded amino acid sequence of the IL17RC protein. It affects a nucleotide within the consensus splice site. This variant is not present in population databases (gnomAD no frequency). This variant has not been reported in the literature in individuals affected with IL17RC-related conditions. Variants that disrupt the consensus splice site are a relatively common cause of aberrant splicing (PMID: 17576681, 9536098). Algorithms developed to predict the effect of sequence changes on RNA splicing suggest that this variant is not likely to affect RNA splicing. In summary, the available evidence is currently insufficient to determine the role of this variant in disease. Therefore, it has been classified as a Variant of Uncertain Significance.

Literature cited by the submitters: PubMed 17576681; PubMed 9536098.

NM_153460.4(IL17RC):c.1483+6C>T

Gene: IL17RC (interleukin 17 receptor C; plus strand). Cytogenetic location: 3p25.3.
Variant type: single nucleotide variant.
Coding change: c.1483+6C>T on transcript NM_153460.4 (MANE Select); 6 bases into the intron after coding-DNA position 1483, C replaced by T.
Molecular consequence: intron variant.
Genome position (GRCh38, 1-based): chr3:9,932,709, C>T. VCF-style: chr3-9932709-C-T. GRCh37 (hg19) VCF-style: chr3-9974393-C-T.
Other names: c.1696+6C>T (NM_153461.4); c.1483+6C>T (NM_001203263.2); c.1432+6C>T (NM_001203264.2); c.1444+6C>T (NM_001367278.1); c.1438+6C>T (NM_032732.6, NM_001367280.1); c.1387+6C>T (NM_001203265.2, NM_001410711.1); c.1363+6C>T (NM_001367279.1).
Identifiers: ClinVar variation 4761847 (VCV004761847.1).
Genomic context (GRCh38, chr3:9,932,709, plus strand): 5'-CTCTTTGCCGCTGCGCTTTCCCTCATCCTCCTTCTCAAAAAGGATCACGCGAAAGGTGAG[C>T]GCTTCCCGGCTCCCCATTCCCCTGGGGGAGGACCAGAGTGGCTGTGGGAGTTCTCCGAGG-3'